The following is an entry in ClinVar:

ClinVar aggregate classification (germline): Benign (1 of 4 stars; one submission).

Conditions:
Familial adenomatous polyposis 1 (FAP1). Also called: POLYPOSIS, ADENOMATOUS INTESTINAL; FAMILIAL ADENOMATOUS POLYPOSIS 1, ATTENUATED. Identifiers: MedGen C2713442, MONDO:0021056, OMIM 175100. Disease mechanism: loss of function.

Submission:

Myriad Genetics, Inc.
Classification: Benign for Familial adenomatous polyposis 1. Last evaluated: 2024-03-01. Review status: criteria provided, single submitter. Criteria: Myriad Autosomal Dominant, Autosomal Recessive and X-Linked Classification Criteria (2023). Collection method: clinical testing. Allele origin: unknown.
Comment: This variant is considered benign. This variant is a silent/synonymous amino acid change and it is not expected to impact splicing.

NM_000038.6(APC):c.1368T>G (p.Leu456=)

Gene: APC (APC regulator of Wnt signaling pathway; plus strand). Cytogenetic location: 5q22.2.
Variant type: single nucleotide variant.
Coding change: c.1368T>G on transcript NM_000038.6 (MANE Select); coding-DNA position 1368, T replaced by G.
Protein change: p.Leu456=; no amino-acid change (leucine 456 retained).
Molecular consequence: synonymous variant. On other transcripts: non-coding transcript variant (2).
Genome position (GRCh38, 1-based): chr5:112,821,951, T>G. VCF-style: chr5-112821951-T-G. GRCh37 (hg19) VCF-style: chr5-112157648-T-G.
Other names: c.1368T>G, p.Leu456= (NM_001127510.3, NM_001354895.2, NM_001354896.2 and 4 more transcripts); c.1314T>G, p.Leu438= (NM_001127511.3); c.1398T>G, p.Leu466= (NM_001354897.2, NM_001407446.1); c.1293T>G, p.Leu431= (NM_001354898.2, NM_001407451.1); c.1284T>G, p.Leu428= (NM_001354899.2, NM_001407452.1); c.1191T>G, p.Leu397= (NM_001354900.2, NM_001354901.2, NM_001407453.1); c.1095T>G, p.Leu365= (NM_001354902.2); c.1065T>G, p.Leu355= (NM_001354903.2, NM_001407454.1, NM_001407455.1 and 5 more transcripts); and 5 more.
Identifiers: ClinVar variation 3148199 (VCV003148199.1), dbSNP rs2533109722, ClinGen allele CA445755865.